The following is an entry in ClinVar:

ClinVar aggregate classification (germline): Uncertain significance (1 of 4 stars; one submission).

Allele frequency attached by ClinVar (database versions not stated): gnomAD exomes 0.00001.
gnomAD v4.1: 5 of 1,613,950 alleles (0.00031%); highest among the groups gnomAD compares: East Asian, 0.0022%; no homozygotes.

Submission:

GeneDx
Classification: Uncertain significance. Last evaluated: 2022-10-03. Review status: criteria provided, single submitter. Criteria: GeneDx Variant Classification Process June 2021. Collection method: clinical testing. Allele origin: germline. Affected: yes.
Comment: Not observed at significant frequency in large population cohorts (gnomAD); In silico analysis supports that this missense variant does not alter protein structure/function; Has not been previously published as pathogenic or benign to our knowledge

NM_004380.3(CREBBP):c.2749A>G (p.Thr917Ala)

Gene: CREBBP (CREB binding protein; minus strand). Cytogenetic location: 16p13.3.
Variant type: single nucleotide variant.
Coding change: c.2749A>G on transcript NM_004380.3 (MANE Select); coding-DNA position 2749, A replaced by G.
Protein change: p.Thr917Ala; replaces threonine 917 with alanine.
Molecular consequence: missense variant.
Genome position (GRCh38, 1-based): chr16:3,770,701, T>C on the plus strand (A>G on the coding strand, the complement: CREBBP is on the minus strand). VCF-style: chr16-3770701-T-C. GRCh37 (hg19) VCF-style: chr16-3820702-T-C.
Other names: c.2635A>G, p.Thr879Ala (NM_001079846.1); short protein forms T879A, T917A.
Identifiers: ClinVar variation 2446696 (VCV002446696.1), dbSNP rs2141200590, ClinGen allele CA394550931.